The following is an entry in ClinVar:

NM_004629.2(FANCG):c.161dup (p.His55fs)

Gene: FANCG (FA complementation group G; minus strand). Cytogenetic location: 9p13.3.
Variant type: Duplication.
Coding change: c.161dup on transcript NM_004629.2 (MANE Select); coding-DNA position 161, one base duplicated (T; older notation c.161dupT).
Protein change: p.His55fs; shifts the reading frame from histidine 55.
Molecular consequence: frameshift variant.
Genome position (GRCh38, 1-based): chr9:35,079,165, A duplicated on the plus strand (T on the coding strand, the reverse complement: FANCG is on the minus strand). VCF-style (leftmost placement, unchanged base first): chr9-35079164-G-GA. GRCh37 (hg19) VCF-style: chr9-35079161-G-GA.
Other names: c.161dupT (NM_004629.1); short protein forms H55fs.
Identifiers: ClinVar variation 366737 (VCV000366737.14), dbSNP rs886063898, ClinGen allele CA10633933.

ClinVar aggregate classification (germline): Pathogenic/Likely pathogenic. Review status: criteria provided, multiple submitters, no conflicts (2 of 4 stars). 2 submissions from 2 submitters: Pathogenic (1); Likely pathogenic (1). Last evaluated 2023-11-18.

Conditions:
Fanconi anemia complementation group G. Also called: Fanconi anemia group G; FANCG-Related Fanconi Anemia. Identifiers: Orphanet 84, MedGen C3469527, MONDO:0013565, OMIM 614082.
Fanconi anemia (FA). Also called: Fanconi's anemia. Identifiers: Orphanet 84, MedGen C0015625, MeSH D005199, MONDO:0019391.

Allele frequency attached by ClinVar (database versions not stated): gnomAD exomes below 0.00001.

Submissions (2):

Baylor Genetics
Classification: Likely pathogenic for Fanconi anemia complementation group G. Last evaluated: 2023-11-18. Review status: criteria provided, single submitter. Criteria: ACMG Guidelines, 2015. Collection method: clinical testing. Allele origin: unknown.

Labcorp Genetics (formerly Invitae), Labcorp
Classification: Pathogenic for Fanconi anemia. Last evaluated: 2023-09-28. Review status: criteria provided, single submitter. Criteria: Invitae Variant Classification Sherloc (09022015). Collection method: clinical testing. Allele origin: germline.
Comment: For these reasons, this variant has been classified as Pathogenic. ClinVar contains an entry for this variant (Variation ID: 366737). This variant has not been reported in the literature in individuals affected with FANCG-related conditions. This variant is not present in population databases (gnomAD no frequency). This sequence change creates a premature translational stop signal (p.His55Profs*2) in the FANCG gene. It is expected to result in an absent or disrupted protein product. Loss-of-function variants in FANCG are known to be pathogenic (PMID: 12552564).

Literature cited by the submitters: PubMed 12552564 (cited by Labcorp Genetics (formerly Invitae), Labcorp).